The following is an entry in ClinVar:

ClinVar aggregate classification (germline): Pathogenic/Likely pathogenic. Review status: criteria provided, multiple submitters, no conflicts (2 of 4 stars). 3 submissions from 3 submitters: Pathogenic (1); Likely pathogenic (2). Last evaluated 2024-08-08.

Conditions:
Mitochondrial DNA depletion syndrome. Also called: mitochondrial DNA depletion. Identifiers: Orphanet 35698, MedGen C0342782, MONDO:0018158.

Allele frequency attached by ClinVar (database versions not stated): gnomAD exomes below 0.00001; gnomAD 0.00001.
gnomAD v4.1: 2 of 1,613,696 alleles (0.00012%); highest among the groups gnomAD compares: Non-Finnish European, 0.00017%; no homozygotes.

Submissions (3):

GeneDx
Classification: Likely pathogenic. Last evaluated: 2024-08-08. Review status: criteria provided, single submitter. Criteria: GeneDx Variant Classification Process June 2021. Collection method: clinical testing. Allele origin: germline. Affected: yes.
Comment: RNA studies demonstrate a damaging effect: [alternative splicing resulting in skipping of exon 2] (PMID: 18329934, 20614188); Not observed at significant frequency in large population cohorts (gnomAD); In silico analysis supports a deleterious effect on splicing; This variant is associated with the following publications: (PMID: 25525159, 20614188, 18329934)

Labcorp Genetics (formerly Invitae), Labcorp
Classification: Likely pathogenic. Last evaluated: 2024-03-29. Review status: criteria provided, single submitter. Criteria: Invitae Variant Classification Sherloc (09022015). Collection method: clinical testing. Allele origin: germline.
Comment: This sequence change falls in intron 2 of the MPV17 gene. It does not directly change the encoded amino acid sequence of the MPV17 protein. RNA analysis indicates that this variant induces altered splicing and likely results in a shortened protein product. This variant is present in population databases (rs267607268, gnomAD 0.007%). This variant has been observed in individual(s) with mitochondrial DNA depletion syndrome (PMID: 18329934). ClinVar contains an entry for this variant (Variation ID: 2581455). Studies have shown that this variant alters MPV17 gene expression (PMID: 18329934). Variants that disrupt the consensus splice site are a relatively common cause of aberrant splicing (PMID: 17576681, 9536098). Studies have shown that this variant results in skipping of exon 2, but is expected to preserve the integrity of the reading-frame (PMID: 18329934, 20614188). In summary, the currently available evidence indicates that the variant is pathogenic, but additional data are needed to prove that conclusively. Therefore, this variant has been classified as Likely Pathogenic.

Women's Health and Genetics/Laboratory Corporation of America, LabCorp
Classification: Pathogenic for Mitochondrial DNA depletion syndrome. Last evaluated: 2023-08-30. Review status: criteria provided, single submitter. Criteria: LabCorp Variant Classification Summary - May 2015. Collection method: clinical testing. Allele origin: germline.
Comment: Variant summary: MPV17 c.70+5G>A alters a conserved nucleotide located close to a canonical splice site and therefore could affect mRNA splicing, leading to a significantly altered protein sequence. Several computational tools predict a significant impact on normal splicing: Three predict the variant weakens the 5' canonical splicing donor site. One predicts the variant abolishes the 5 canonical splicing donor site. At least two publications report in vivo and in vitro experimental evidence that this variant affects normal mRNA splicing by skipping exon 2 and normal mRNA product of MPV17 is abolished (Navarro-Sastre_2008 and 2010). The variant allele was found at a frequency of 3.2e-05 in 31410 control chromosomes. c.70+5G>A has been reported in the literature at a homozygous state in two individuals affected with severe hepatopathy, polyneuropathy, neurological regression with Leukodystrophy, and other characteristic symptoms of mitochondrial diseases (example, Navarro-Sastre_2008 and 2010). These data indicate that the variant is very likely to be associated with MPV17 Related Mitochondrial DNA Depletion Syndrome. The following publications have been ascertained in the context of this evaluation (PMID: 20614188, 18329934). No submitters have cited clinical-significance assessments for this variant to ClinVar after 2014. Based on the evidence outlined above, the variant was classified as pathogenic.

Literature cited by the submitters: PubMed 18329934 (cited by Labcorp Genetics (formerly Invitae), Labcorp and Women's Health and Genetics/Laboratory Corporation of America, LabCorp); PubMed 17576681 (cited by Labcorp Genetics (formerly Invitae), Labcorp); PubMed 9536098 (cited by Labcorp Genetics (formerly Invitae), Labcorp); PubMed 20614188 (cited by Labcorp Genetics (formerly Invitae), Labcorp and Women's Health and Genetics/Laboratory Corporation of America, LabCorp).

NM_002437.5(MPV17):c.70+5G>A

Gene: MPV17 (mitochondrial inner membrane protein MPV17; minus strand). Cytogenetic location: 2p23.3.
Variant type: single nucleotide variant.
Coding change: c.70+5G>A on transcript NM_002437.5 (MANE Select); 5 bases into the intron after coding-DNA position 70, G replaced by A.
Molecular consequence: intron variant.
Genome position (GRCh38, 1-based): chr2:27,322,443, C>T on the plus strand (G>A on the coding strand, the complement: MPV17 is on the minus strand). VCF-style: chr2-27322443-C-T. GRCh37 (hg19) VCF-style: chr2-27545310-C-T.
Identifiers: ClinVar variation 2581455 (VCV002581455.5), dbSNP rs267607268, ClinGen allele CA342987.
Genomic context (GRCh38, chr2:27,322,443, plus strand): 5'-GGGCAAGCCTCTGGCTTCCAAATCAGTCTGCCCTGGTCCCACTCAAGTCCTAGAGGGACA[C>T]TCACCAGCTGTCAGGACCTGTACTTTCCACGGGTGAGCGGCCAGGGCCCGCTGGTATGCC-3'